The following is an entry in ClinVar:

NM_001673.5(ASNS):c.994del (p.Glu332fs)

Genes: ASNS (asparagine synthetase (glutamine-hydrolyzing); minus strand), CZ1P-ASNS (CZ1P-ASNS readthrough; minus strand). Cytogenetic location: 7q21.3.
Variant type: Deletion.
Coding change: c.994del on transcript NM_001673.5 (MANE Select); coding-DNA position 994, one base deleted (G; older notation c.994delG).
Protein change: p.Glu332fs; shifts the reading frame from glutamic acid 332.
Molecular consequence: frameshift variant. On other transcripts: non-coding transcript variant (1).
Genome position (GRCh38, 1-based): chr7:97,856,726, C deleted on the plus strand (G on the coding strand, the reverse complement: ASNS is on the minus strand); the first of 2 consecutive C bases (chr7:97,856,726-97,856,727); deleting either gives the same sequence. VCF-style (leftmost placement, unchanged base first): chr7-97856725-TC-T. GRCh37 (hg19) VCF-style: chr7-97486037-TC-T.
Other names: c.931del, p.Glu311fs (NM_001178075.2); c.745del, p.Glu249fs (NM_001178076.2, NM_001178077.1); c.994del, p.Glu332fs (NM_001352496.2, NM_133436.3, NM_183356.4); short protein forms E332fs, E249fs, E311fs.
Identifiers: ClinVar variation 2755903 (VCV002755903.3), dbSNP rs2484649601, ClinGen allele CA2697557441.

ClinVar aggregate classification (germline): Pathogenic (1 of 4 stars; one submission).

Submission:

Labcorp Genetics (formerly Invitae), Labcorp
Classification: Pathogenic. Last evaluated: 2023-08-29. Review status: criteria provided, single submitter. Criteria: Invitae Variant Classification Sherloc (09022015). Collection method: clinical testing. Allele origin: germline.
Comment: This variant is not present in population databases (gnomAD no frequency). This variant has not been reported in the literature in individuals affected with ASNS-related conditions. For these reasons, this variant has been classified as Pathogenic. This sequence change creates a premature translational stop signal (p.Glu332Lysfs*12) in the ASNS gene. It is expected to result in an absent or disrupted protein product. Loss-of-function variants in ASNS are known to be pathogenic (PMID: 27422383, 30057589).

Literature cited by the submitters: PubMed 27422383; PubMed 30057589.